The following is an entry in ClinVar:

NM_206933.4(USH2A):c.11548+4A>G

Gene: USH2A (usherin; minus strand). Cytogenetic location: 1q41.
Variant type: single nucleotide variant.
Coding change: c.11548+4A>G on transcript NM_206933.4 (MANE Select); 4 bases into the intron after coding-DNA position 11548, A replaced by G.
Molecular consequence: intron variant.
Genome position (GRCh38, 1-based): chr1:215,743,173, T>C on the plus strand (A>G on the coding strand, the complement: USH2A is on the minus strand). VCF-style: chr1-215743173-T-C. GRCh37 (hg19) VCF-style: chr1-215916515-T-C.
Identifiers: ClinVar variation 1470071 (VCV001470071.6), dbSNP rs1286331476, ClinGen allele CA2573131569.

ClinVar aggregate classification (germline): Uncertain significance (1 of 4 stars; one submission).

Submission:

Labcorp Genetics (formerly Invitae), Labcorp
Classification: Uncertain significance. Last evaluated: 2022-06-27. Review status: criteria provided, single submitter. Criteria: Invitae Variant Classification Sherloc (09022015). Collection method: clinical testing. Allele origin: germline.
Comment: This sequence change falls in intron 59 of the USH2A gene. It does not directly change the encoded amino acid sequence of the USH2A protein. It affects a nucleotide within the consensus splice site. This variant is not present in population databases (gnomAD no frequency). This variant has not been reported in the literature in individuals affected with USH2A-related conditions. Variants that disrupt the consensus splice site are a relatively common cause of aberrant splicing (PMID: 17576681, 9536098). Algorithms developed to predict the effect of sequence changes on RNA splicing suggest that this variant is not likely to affect RNA splicing. In summary, the available evidence is currently insufficient to determine the role of this variant in disease. Therefore, it has been classified as a Variant of Uncertain Significance.

Literature cited by the submitters: PubMed 17576681; PubMed 9536098.